The following is an entry in ClinVar:

NM_001134363.3(RBM20):c.3574-6C>G

Gene: RBM20 (RNA binding motif protein 20; plus strand). Cytogenetic location: 10q25.2.
Variant type: single nucleotide variant.
Coding change: c.3574-6C>G on transcript NM_001134363.3 (MANE Select); 6 bases into the intron before coding-DNA position 3574, C replaced by G.
Molecular consequence: intron variant.
Genome position (GRCh38, 1-based): chr10:110,835,862, C>G. VCF-style: chr10-110835862-C-G. GRCh37 (hg19) VCF-style: chr10-112595620-C-G.
Identifiers: ClinVar variation 229196 (VCV000229196.31), dbSNP rs762069628, ClinGen allele CA10576774.
Genomic context (GRCh38, chr10:110,835,862, plus strand): 5'-CCTCTCCTCTCCATCTAGGTCCCTACTAACATGCCCCTTCCTCCACTTCCCCTCTTCTTT[C>G]CACAGAAATATTTGTCCCAGCTGGCCGAGGAGGGCCTCAAGGAGACCGAGGGGGCAGATA-3'

ClinVar aggregate classification (germline): Conflicting classifications of pathogenicity. Review status: criteria provided, conflicting classifications (1 of 4 stars). 7 submissions from 7 submitters: Uncertain significance (2); Likely benign (3). 2 of the submissions do not count toward it. Last evaluated 2025-12-02.

Conditions:
Cardiomyopathy (CMYO). Also called: Cardiomyopathies. Identifiers: Orphanet 167848, MedGen C0878544, MONDO:0004994, HP:0001638. Inheritance: Various modes of inheritance.
Dilated cardiomyopathy 1DD (CMD1DD). Identifiers: Orphanet 154, MedGen C2750995, MONDO:0013168, OMIM 613172.

Allele frequency attached by ClinVar (database versions not stated): gnomAD exomes 0.00001 and 0.00005; gnomAD 0.00004 and 0.00005; TOPMed 0.00005.
gnomAD v4.1: 79 of 1,550,822 alleles (0.0051%); highest among the groups gnomAD compares: Middle Eastern, 0.2%; no homozygotes.

Submissions (7):

Labcorp Genetics (formerly Invitae), Labcorp
Classification: Likely benign for Dilated cardiomyopathy 1DD. Last evaluated: 2025-12-02. Review status: criteria provided, single submitter. Criteria: Invitae Variant Classification Sherloc (09022015). Collection method: clinical testing. Allele origin: germline.

Blueprint Genetics
Classification: Likely benign. Last evaluated: 2024-06-21. Review status: criteria provided, single submitter. Criteria: ACMG Guidelines, 2015. Collection method: clinical testing. Allele origin: germline.

GeneDx
Classification: Likely benign. Last evaluated: 2019-03-29. Review status: criteria provided, single submitter. Criteria: GeneDx Variant Classification Process June 2021. Collection method: clinical testing. Allele origin: germline. Affected: yes.

CHEO Genetics Diagnostic Laboratory, Children's Hospital of Eastern Ontario
Classification: Uncertain significance for Cardiomyopathy. Last evaluated: 2017-07-27. Review status: criteria provided, single submitter. Criteria: ACMG Guidelines, 2015. Collection method: clinical testing. Allele origin: germline. Study: Canadian Open Genetics Repository.

Laboratory for Molecular Medicine, Mass General Brigham Personalized Medicine
Classification: Uncertain significance. Last evaluated: 2015-06-25. Review status: criteria provided, single submitter. Criteria: LMM Criteria. Collection method: clinical testing. Allele origin: germline. Observed: 1 variant allele.
Comment: The c.3574-6C>G variant in RBM20 has not been previously reported in individuals with cardiomyopathy and was absent from large population studies. This variant is located in the 3' splice region. Computational tools do not suggest an impact to splicing. However, this information is not predictive enough to rule out pat hogenicity. In summary, the clinical significance of the c.3574-6C>G variant is uncertain.

Clinical Genetics, Academic Medical Center
Classification: Likely benign. Review status: no assertion criteria provided. Collection method: clinical testing. Allele origin: germline. Affected: yes. Study: VKGL Data-share Consensus. Not counted in ClinVar's aggregate classification.

Diagnostic Laboratory, Department of Genetics, University Medical Center Groningen
Classification: Likely benign. Review status: no assertion criteria provided. Collection method: clinical testing. Allele origin: germline. Affected: yes. Study: VKGL Data-share Consensus. Not counted in ClinVar's aggregate classification.